The following is an entry in ClinVar:

ClinVar aggregate classification (germline): Uncertain significance (1 of 4 stars; one submission).

Conditions:
Hyperphosphatasia with intellectual disability syndrome 5 (GPIBD11). Also called: GLYCOSYLPHOSPHATIDYLINOSITOL BIOSYNTHESIS DEFECT 11. Identifiers: Orphanet 247262, MedGen C4014958, MONDO:0014457, OMIM 616025.

Submission:

Labcorp Genetics (formerly Invitae), Labcorp
Classification: Uncertain significance for Hyperphosphatasia with intellectual disability syndrome 5. Last evaluated: 2021-10-27. Review status: criteria provided, single submitter. Criteria: Invitae Variant Classification Sherloc (09022015). Collection method: clinical testing. Allele origin: germline.
Comment: This sequence change creates a premature translational stop signal (p.Gly288Alafs*12) in the PIGW gene. While this is not anticipated to result in nonsense mediated decay, it is expected to disrupt the last 217 amino acid(s) of the PIGW protein. In summary, the available evidence is currently insufficient to determine the role of this variant in disease. Therefore, it has been classified as a Variant of Uncertain Significance. Experimental studies and prediction algorithms are not available or were not evaluated, and the functional significance of this variant is currently unknown. This variant has not been reported in the literature in individuals affected with PIGW-related conditions. This variant is present in population databases (rs753213838, gnomAD 0.007%).

NM_001346754.2(PIGW):c.863del (p.Gly288fs)

Genes: MYO19 (myosin XIX; minus strand), PIGW (phosphatidylinositol glycan anchor biosynthesis class W; plus strand). Cytogenetic location: 17q12.
Variant type: Deletion.
Coding change: c.863del on transcript NM_001346754.2 (MANE Select); coding-DNA position 863, one base deleted (G; older notation c.863delG).
Protein change: p.Gly288fs; shifts the reading frame from glycine 288.
Molecular consequence: frameshift variant.
Genome position (GRCh38, 1-based): chr17:36,537,964, G deleted; the last of 2 consecutive G bases (chr17:36,537,963-36,537,964); deleting either gives the same sequence. VCF-style (leftmost placement, unchanged base first): chr17-36537962-TG-T. GRCh37 (hg19) VCF-style: chr17-34893811-TG-T.
Other names: c.863del, p.Gly288fs (NM_001346755.2, NM_178517.5); short protein forms G288fs.
Identifiers: ClinVar variation 1399876 (VCV001399876.8), dbSNP rs753213838, ClinGen allele CA290116325.